The following is an entry in ClinVar:

NM_005811.5(GDF11):c.1008C>G (p.Tyr336Ter)

Gene: GDF11 (growth differentiation factor 11; plus strand). Cytogenetic location: 12q13.2.
Variant type: single nucleotide variant.
Coding change: c.1008C>G on transcript NM_005811.5 (MANE Select); coding-DNA position 1008, C replaced by G.
Protein change: p.Tyr336Ter; replaces tyrosine 336 with a stop codon.
Molecular consequence: nonsense.
Genome position (GRCh38, 1-based): chr12:55,749,666, C>G. VCF-style: chr12-55749666-C-G. GRCh37 (hg19) VCF-style: chr12-56143450-C-G.
Other names: short protein forms Y336*.
Identifiers: ClinVar variation 522835 (VCV000522835.3), dbSNP rs1449282134, ClinGen allele CA385197196.
Genomic context (GRCh38, chr12:55,749,666, plus strand): 5'-TCCCCTCACAGTGGACTTTGAGGCTTTCGGCTGGGACTGGATCATCGCACCTAAGCGCTA[C>G]AAGGCCAACTACTGCTCCGGCCAGTGCGAGTACATGTTCATGCAAAAATATCCGCATACC-3'

ClinVar aggregate classification (germline): Uncertain significance (1 of 4 stars; one submission).

Conditions:
GDF11-associated multiple congenital anomalies and ID.

Submission:

Undiagnosed Diseases Network, NIH
Classification: Uncertain significance for GDF11-associated multiple congenital anomalies and ID. Last evaluated: 2017-10-06. Review status: criteria provided, single submitter. Criteria: ACMG Guidelines, 2015. Collection method: clinical testing. Allele origin: de novo. Inheritance: Autosomal dominant inheritance. Affected: yes. Observed: 1 variant allele, 1 heterozygote. Study: Undiagnosed Diseases Network (NIH), UDN.
Comment: Nonsense variant predicted to result in loss of function in the GDF11 gene.